The following is an entry in ClinVar:

ClinVar aggregate classification (germline): Uncertain significance (1 of 4 stars; one submission).

Conditions:
Inflammatory skin and bowel disease, neonatal, 1. Identifiers: Orphanet 294023, MedGen C3280501, MONDO:0013693, OMIM 614328.

Submission:

Labcorp Genetics (formerly Invitae), Labcorp
Classification: Uncertain significance for Inflammatory skin and bowel disease, neonatal, 1. Last evaluated: 2019-09-20. Review status: criteria provided, single submitter. Criteria: Invitae Variant Classification Sherloc (09022015). Collection method: clinical testing. Allele origin: germline.
Comment: This sequence change replaces serine with proline at codon 770 of the ADAM17 protein (p.Ser770Pro). The serine residue is highly conserved and there is a moderate physicochemical difference between serine and proline. In summary, the available evidence is currently insufficient to determine the role of this variant in disease. Therefore, it has been classified as a Variant of Uncertain Significance. Algorithms developed to predict the effect of missense changes on protein structure and function are either unavailable or do not agree on the potential impact of this missense change (SIFT: "Deleterious"; PolyPhen-2: "Probably Damaging"; Align-GVGD: "Class C0"). This variant has not been reported in the literature in individuals with ADAM17-related conditions. This variant is not present in population databases (ExAC no frequency).

NM_003183.6(ADAM17):c.2308T>C (p.Ser770Pro)

Genes: ADAM17 (ADAM metallopeptidase domain 17; minus strand), IAH1 (isoamyl acetate hydrolyzing esterase 1 (putative); plus strand). Cytogenetic location: 2p25.1.
Variant type: single nucleotide variant.
Coding change: c.2308T>C on transcript NM_003183.6 (MANE Select); coding-DNA position 2308, T replaced by C.
Protein change: p.Ser770Pro; replaces serine 770 with proline.
Molecular consequence: missense variant.
Genome position (GRCh38, 1-based): chr2:9,490,344, A>G on the plus strand (T>C on the coding strand, the complement: ADAM17 is on the minus strand). VCF-style: chr2-9490344-A-G. GRCh37 (hg19) VCF-style: chr2-9630473-A-G.
Other names: c.1648T>C, p.Ser550Pro (NM_001382777.1); c.1411T>C, p.Ser471Pro (NM_001382778.1); short protein forms S770P, S471P, S550P.
Identifiers: ClinVar variation 955729 (VCV000955729.8), dbSNP rs1662022623, ClinGen allele CA345794506.
Genomic context (GRCh38, chr2:9,490,344, plus strand): 5'-TGGCAGCTGTGCTGCTATTTGGGAAGGGGTCCTTCTCAAACCCATCCTCGTCCATATGTG[A>G]GTCTGTGCTGGGGTCTTCCTGGATGGTGTCCATTCTCTGGTGGTCCAGTTTTGGAGCTGC-3'
Protein context (NP_003174.3, residues 760-780): DTIQEDPSTD[Ser770Pro]HMDEDGFEKD